The following is an entry in ClinVar:

ClinVar aggregate classification (germline): Likely benign (1 of 4 stars; one submission).

Conditions:
LRRC45-related disorder. Also called: LRRC45-related condition.

gnomAD v4.1: 58 of 1,612,486 alleles (0.0036%); highest among the groups gnomAD compares: Middle Eastern, 0.016%; no homozygotes.

Submission:

PreventionGenetics, part of Exact Sciences
Classification: Likely benign for LRRC45-related condition. Last evaluated: 2025-12-03. Review status: criteria provided, single submitter. Criteria: ACMG Guidelines, 2015. Collection method: clinical testing. Allele origin: germline.
Comment: This variant is classified as likely benign based on ACMG/AMP sequence variant interpretation guidelines (Richards et al. 2015 PMID: 25741868, with internal and published modifications).

NM_144999.4(LRRC45):c.780C>T (p.Leu260=)

Gene: LRRC45 (leucine rich repeat containing 45; plus strand). Cytogenetic location: 17q25.3.
Variant type: single nucleotide variant.
Coding change: c.780C>T on transcript NM_144999.4 (MANE Select); coding-DNA position 780, C replaced by T.
Protein change: p.Leu260=; no amino-acid change (leucine 260 retained).
Molecular consequence: synonymous variant.
Genome position (GRCh38, 1-based): chr17:82,027,391, C>T. VCF-style: chr17-82027391-C-T. GRCh37 (hg19) VCF-style: chr17-79985267-C-T.
Identifiers: ClinVar variation 4977857 (VCV004977857.1).